The following is an entry in ClinVar:

ClinVar aggregate classification (germline): Uncertain significance (1 of 4 stars; one submission).

Submission:

GeneDx
Classification: Uncertain significance. Last evaluated: 2026-03-27. Review status: criteria provided, single submitter. Criteria: GeneDx Variant Classification Process June 2021. Collection method: clinical testing. Allele origin: germline.
Comment: Not observed at significant frequency in large population cohorts (gnomAD); In silico analysis supports that this missense variant has a deleterious effect on protein structure/function; Has not been previously published as pathogenic or benign to our knowledge

NM_031206.7(LAS1L):c.560G>A (p.Arg187His)

Gene: LAS1L (LAS1 like ribosome biogenesis factor; minus strand). Cytogenetic location: Xq12.
Variant type: single nucleotide variant.
Coding change: c.560G>A on transcript NM_031206.7 (MANE Select); coding-DNA position 560, G replaced by A.
Protein change: p.Arg187His; replaces arginine 187 with histidine.
Molecular consequence: missense variant. On other transcripts: 5 prime UTR variant (1), non-coding transcript variant (3).
Genome position (GRCh38, 1-based): chrX:65,529,833, C>T on the plus strand (G>A on the coding strand, the complement: LAS1L is on the minus strand). VCF-style: chrX-65529833-C-T. GRCh37 (hg19) VCF-style: chrX-64749713-C-T.
Other names: c.560G>A, p.Arg187His (NM_001170649.2, NM_001375328.1, NM_001375329.1 and 10 more transcripts); c.434G>A, p.Arg145His (NM_001170650.2); c.-237G>A (NM_001375332.1); short protein forms R145H, R187H.
Identifiers: ClinVar variation 5017389 (VCV005017389.1).